The following is an entry in ClinVar:

NM_022166.4(XYLT1):c.1334T>C (p.Met445Thr)

Gene: XYLT1 (xylosyltransferase 1; minus strand). Cytogenetic location: 16p12.3.
Variant type: single nucleotide variant.
Coding change: c.1334T>C on transcript NM_022166.4 (MANE Select); coding-DNA position 1334, T replaced by C.
Protein change: p.Met445Thr; replaces methionine 445 with threonine.
Molecular consequence: missense variant.
Genome position (GRCh38, 1-based): chr16:17,158,865, A>G on the plus strand (T>C on the coding strand, the complement: XYLT1 is on the minus strand). VCF-style: chr16-17158865-A-G. GRCh37 (hg19) VCF-style: chr16-17252722-A-G.
Other names: short protein forms M445T.
Identifiers: ClinVar variation 1723791 (VCV001723791.3), dbSNP rs1467329663, ClinGen allele CA394879503.

ClinVar aggregate classification (germline): Uncertain significance. Review status: criteria provided, multiple submitters, no conflicts (2 of 4 stars). 2 submissions from 2 submitters: Uncertain significance (2). Last evaluated 2024-01-17.

Conditions:
Inborn genetic diseases. Identifiers: MedGen C0950123, MeSH D030342.

gnomAD v4.1: 3 of 1,613,960 alleles (0.00019%); highest among the groups gnomAD compares: South Asian, 0.0011%; no homozygotes.

Submissions (2):

Ambry Genetics
Classification: Uncertain significance for Inborn genetic diseases. Last evaluated: 2024-01-17. Review status: criteria provided, single submitter. Criteria: Ambry Variant Classification Scheme 2023. Collection method: clinical testing. Allele origin: germline.

GeneDx
Classification: Uncertain significance. Last evaluated: 2022-05-11. Review status: criteria provided, single submitter. Criteria: GeneDx Variant Classification Process June 2021. Collection method: clinical testing. Allele origin: germline. Affected: yes.
Comment: Not observed at significant frequency in large population cohorts (gnomAD); In silico analysis supports that this missense variant does not alter protein structure/function; Has not been previously published as pathogenic or benign to our knowledge